The following is an entry in ClinVar:

NM_001291303.3(FAT4):c.1378A>G (p.Ser460Gly)

Gene: FAT4 (FAT atypical cadherin 4; plus strand). Cytogenetic location: 4q28.1.
Variant type: single nucleotide variant.
Coding change: c.1378A>G on transcript NM_001291303.3 (MANE Select); coding-DNA position 1378, A replaced by G.
Protein change: p.Ser460Gly; replaces serine 460 with glycine.
Molecular consequence: missense variant.
Genome position (GRCh38, 1-based): chr4:125,317,789, A>G. VCF-style: chr4-125317789-A-G. GRCh37 (hg19) VCF-style: chr4-126238944-A-G.
Other names: c.1378A>G, p.Ser460Gly (NM_001291285.3, NM_024582.6); c.1378A>G (NM_024582.4, NM_024582.5); short protein forms S460G.
Identifiers: ClinVar variation 2200978 (VCV002200978.4), dbSNP rs772780567, ClinGen allele CA3071978.

ClinVar aggregate classification (germline): Uncertain significance. Review status: criteria provided, multiple submitters, no conflicts (2 of 4 stars). 4 submissions from 4 submitters: Uncertain significance (4). Last evaluated 2024-05-31.

Conditions:
Hennekam lymphangiectasia-lymphedema syndrome 2 (HKLLS2). Identifiers: Orphanet 2136, MedGen C4014939, MONDO:0014454, OMIM 616006.
Van Maldergem syndrome 2 (VMLDS2). Identifiers: Orphanet 314679, MedGen C3809875, MONDO:0014242, OMIM 615546.
Inborn genetic diseases. Identifiers: MedGen C0950123, MeSH D030342.

Allele frequency attached by ClinVar (database versions not stated): ExAC 0.00002; TOPMed 0.00002; gnomAD 0.00003; gnomAD exomes 0.00003.

Submissions (4):

Fulgent Genetics
Classification: Uncertain significance for Van Maldergem syndrome 2; Hennekam lymphangiectasia-lymphedema syndrome 2. Last evaluated: 2024-05-31. Review status: criteria provided, single submitter. Criteria: ACMG Guidelines, 2015. Collection method: clinical testing. Allele origin: germline.

GeneDx
Classification: Uncertain significance. Last evaluated: 2023-08-11. Review status: criteria provided, single submitter. Criteria: GeneDx Variant Classification Process June 2021. Collection method: clinical testing. Allele origin: germline. Affected: yes.
Comment: Not observed at significant frequency in large population cohorts (gnomAD); In silico analysis supports that this missense variant does not alter protein structure/function; Has not been previously published as pathogenic or benign to our knowledge

Labcorp Genetics (formerly Invitae), Labcorp
Classification: Uncertain significance. Last evaluated: 2022-07-30. Review status: criteria provided, single submitter. Criteria: Invitae Variant Classification Sherloc (09022015). Collection method: clinical testing. Allele origin: germline.
Comment: This sequence change replaces serine, which is neutral and polar, with glycine, which is neutral and non-polar, at codon 460 of the FAT4 protein (p.Ser460Gly). This variant is present in population databases (rs772780567, gnomAD 0.005%). This variant has not been reported in the literature in individuals affected with FAT4-related conditions. Advanced modeling of protein sequence and biophysical properties (such as structural, functional, and spatial information, amino acid conservation, physicochemical variation, residue mobility, and thermodynamic stability) performed at Invitae indicates that this missense variant is not expected to disrupt FAT4 protein function. Algorithms developed to predict the effect of sequence changes on RNA splicing suggest that this variant may create or strengthen a splice site. In summary, the available evidence is currently insufficient to determine the role of this variant in disease. Therefore, it has been classified as a Variant of Uncertain Significance.

Ambry Genetics
Classification: Uncertain significance for Inborn genetic diseases. Last evaluated: 2022-04-07. Review status: criteria provided, single submitter. Criteria: Ambry Variant Classification Scheme 2023. Collection method: clinical testing. Allele origin: germline.